The following is an entry in ClinVar:

ClinVar aggregate classification (germline): Uncertain significance. Review status: criteria provided, multiple submitters, no conflicts (2 of 4 stars). 2 submissions from 2 submitters: Uncertain significance (2). Last evaluated 2024-10-07.

Conditions:
Seizures-scoliosis-macrocephaly syndrome. Also called: Seizures, scoliosis, and macrocephaly syndrome; SEIZURES, SCOLIOSIS, AND MACROCEPHALY/MICROCEPHALY SYNDROME. Identifiers: Orphanet 466926, MedGen C4225248, MONDO:0014731, OMIM 616682.
Exostoses, multiple, type 2 (EXT2). Also called: EXOSTOSES, MULTIPLE, TYPE II; Hereditary Multiple Osteochondromatosis, Type II. Identifiers: Orphanet 321, MedGen C1851413, MONDO:0007586, OMIM 133701.

Allele frequency attached by ClinVar (database versions not stated): ExAC 0.00002.
gnomAD v4.1: 110 of 1,613,696 alleles (0.0068%); highest among the groups gnomAD compares: Non-Finnish European, 0.0079%; no homozygotes.

Submissions (2):

Labcorp Genetics (formerly Invitae), Labcorp
Classification: Uncertain significance for Exostoses, multiple, type 2. Last evaluated: 2024-10-07. Review status: criteria provided, single submitter. Criteria: Invitae Variant Classification Sherloc (09022015). Collection method: clinical testing. Allele origin: germline.
Comment: This sequence change replaces arginine, which is basic and polar, with tryptophan, which is neutral and slightly polar, at codon 557 of the EXT2 protein (p.Arg557Trp). This variant is present in population databases (rs768532662, gnomAD 0.006%). This variant has not been reported in the literature in individuals affected with EXT2-related conditions. ClinVar contains an entry for this variant (Variation ID: 1421787). Invitae Evidence Modeling of protein sequence and biophysical properties (such as structural, functional, and spatial information, amino acid conservation, physicochemical variation, residue mobility, and thermodynamic stability) indicates that this missense variant is expected to disrupt EXT2 protein function with a positive predictive value of 95%. In summary, the available evidence is currently insufficient to determine the role of this variant in disease. Therefore, it has been classified as a Variant of Uncertain Significance.

Fulgent Genetics
Classification: Uncertain significance for Exostoses, multiple, type 2; Seizures-scoliosis-macrocephaly syndrome. Last evaluated: 2022-05-04. Review status: criteria provided, single submitter. Criteria: ACMG Guidelines, 2015. Collection method: clinical testing. Allele origin: unknown.

NM_207122.2(EXT2):c.1669C>T (p.Arg557Trp)

Gene: EXT2 (exostosin glycosyltransferase 2; plus strand). Cytogenetic location: 11p11.2.
Variant type: single nucleotide variant.
Coding change: c.1669C>T on transcript NM_207122.2 (MANE Select); coding-DNA position 1669, C replaced by T.
Protein change: p.Arg557Trp; replaces arginine 557 with tryptophan.
Molecular consequence: missense variant.
Genome position (GRCh38, 1-based): chr11:44,232,359, C>T. VCF-style: chr11-44232359-C-T. GRCh37 (hg19) VCF-style: chr11-44253909-C-T.
Other names: c.1768C>T, p.Arg590Trp (NM_000401.3); c.1699C>T, p.Arg567Trp (NM_001178083.3); c.1669C>T, p.Arg557Trp (NM_001389628.1, NM_001389630.1); short protein forms R567W, R557W, R590W.
Identifiers: ClinVar variation 1421787 (VCV001421787.7), dbSNP rs768532662, ClinGen allele CA5955333.